The following is an entry in ClinVar:

ClinVar aggregate classification (germline): Uncertain significance (1 of 4 stars; one submission).

Conditions:
Mosaic variegated aneuploidy syndrome 1 (MVA1). Also called: Warburton-Anyane-Yeboa syndrome. Identifiers: Orphanet 1052, MedGen C1850343, MONDO:0009759, OMIM 257300.

Allele frequency attached by ClinVar (database versions not stated): gnomAD exomes below 0.00001; TOPMed below 0.00001; gnomAD 0.00001.
gnomAD v4.1: 7 of 1,613,810 alleles (0.00043%); highest among the groups gnomAD compares: Non-Finnish European, 0.00059%; no homozygotes.

Submission:

Labcorp Genetics (formerly Invitae), Labcorp
Classification: Uncertain significance for Mosaic variegated aneuploidy syndrome 1. Last evaluated: 2019-08-14. Review status: criteria provided, single submitter. Criteria: Invitae Variant Classification Sherloc (09022015). Collection method: clinical testing. Allele origin: germline.
Comment: In summary, this variant is a novel missense change that is not predicted to affect protein function. There is no indication that it causes disease, but the available evidence is currently insufficient to prove that conclusively. Therefore, it has been classified as a Variant of Uncertain Significance. Algorithms developed to predict the effect of missense changes on protein structure and function (SIFT, PolyPhen-2, Align-GVGD) all suggest that this variant is likely to be tolerated, but these predictions have not been confirmed by published functional studies. This variant is not present in population databases (ExAC no frequency) and has not been reported in the literature in individuals with a BUB1B-related disease. This sequence change replaces glutamine with proline at codon 481 of the BUB1B protein (p.Gln481Pro). The glutamine residue is weakly conserved and there is a moderate physicochemical difference between glutamine and proline.

NM_001211.6(BUB1B):c.1442A>C (p.Gln481Pro)

Gene: BUB1B (BUB1 mitotic checkpoint serine/threonine kinase B; plus strand). Cytogenetic location: 15q15.1.
Variant type: single nucleotide variant.
Coding change: c.1442A>C on transcript NM_001211.6 (MANE Select); coding-DNA position 1442, A replaced by C.
Protein change: p.Gln481Pro; replaces glutamine 481 with proline.
Molecular consequence: missense variant.
Genome position (GRCh38, 1-based): chr15:40,200,284, A>C. VCF-style: chr15-40200284-A-C. GRCh37 (hg19) VCF-style: chr15-40492485-A-C.
Other names: short protein forms Q481P.
Identifiers: ClinVar variation 403746 (VCV000403746.12), dbSNP rs1060499944, ClinGen allele CA16614759.